The following is an entry in ClinVar:

ClinVar aggregate classification (germline): Uncertain significance (1 of 4 stars; one submission).

Submission:

Labcorp Genetics (formerly Invitae), Labcorp
Classification: Uncertain significance. Last evaluated: 2025-03-31. Review status: criteria provided, single submitter. Criteria: Invitae Variant Classification Sherloc (09022015). Collection method: clinical testing. Allele origin: germline.
Comment: This sequence change replaces alanine, which is neutral and non-polar, with proline, which is neutral and non-polar, at codon 349 of the TRIM28 protein (p.Ala349Pro). This variant is not present in population databases (gnomAD no frequency). This variant has not been reported in the literature in individuals affected with TRIM28-related conditions. Experimental studies and prediction algorithms are not available or were not evaluated, and the functional significance of this variant is currently unknown. In summary, the available evidence is currently insufficient to determine the role of this variant in disease. Therefore, it has been classified as a Variant of Uncertain Significance.

NM_005762.3(TRIM28):c.1045G>C (p.Ala349Pro)

Gene: TRIM28 (tripartite motif containing 28; plus strand). Cytogenetic location: 19q13.43.
Variant type: single nucleotide variant.
Coding change: c.1045G>C on transcript NM_005762.3 (MANE Select); coding-DNA position 1045, G replaced by C.
Protein change: p.Ala349Pro; replaces alanine 349 with proline.
Molecular consequence: missense variant.
Genome position (GRCh38, 1-based): chr19:58,548,124, G>C. VCF-style: chr19-58548124-G-C. GRCh37 (hg19) VCF-style: chr19-59059491-G-C.
Other names: short protein forms A349P.
Identifiers: ClinVar variation 4716390 (VCV004716390.1).